The following is an entry in ClinVar:

ClinVar aggregate classification (germline): Uncertain significance. Review status: criteria provided, multiple submitters, no conflicts (2 of 4 stars). 3 submissions from 3 submitters: Uncertain significance (3). Last evaluated 2026-01-20.

Conditions:
Hereditary cancer-predisposing syndrome. Also called: Hereditary Cancer Syndrome; Tumor predisposition; Hereditary neoplastic syndrome; Neoplastic Syndromes, Hereditary. Identifiers: Orphanet 140162, MedGen C0027672, MeSH D009386, MONDO:0015356.
Familial cancer of breast. Also called: hereditary breast carcinoma; Hereditary breast cancer; BREAST CANCER, FAMILIAL. Identifiers: Orphanet 227535, MedGen C0346153, MONDO:0016419, OMIM 114480. Disease mechanism: loss of function.

Submissions (3):

Labcorp Genetics (formerly Invitae), Labcorp
Classification: Uncertain significance for Familial cancer of breast. Last evaluated: 2026-01-20. Review status: criteria provided, single submitter. Criteria: Invitae Variant Classification Sherloc (09022015). Collection method: clinical testing. Allele origin: germline.
Comment: This sequence change replaces alanine, which is neutral and non-polar, with threonine, which is neutral and polar, at codon 283 of the BARD1 protein (p.Ala283Thr). This variant is not present in population databases (gnomAD no frequency). This variant has not been reported in the literature in individuals affected with BARD1-related conditions. ClinVar contains an entry for this variant (Variation ID: 1044248). An algorithm developed to predict the effect of missense changes on protein structure and function (PolyPhen-2) suggests that this variant is likely to be tolerated. In summary, the available evidence is currently insufficient to determine the role of this variant in disease. Therefore, it has been classified as a Variant of Uncertain Significance.

Ambry Genetics
Classification: Uncertain significance for Hereditary cancer-predisposing syndrome. Last evaluated: 2023-11-06. Review status: criteria provided, single submitter. Criteria: Ambry Variant Classification Scheme 2023. Collection method: clinical testing. Allele origin: germline.
Comment: The p.A283T variant (also known as c.847G>A), located in coding exon 4 of the BARD1 gene, results from a G to A substitution at nucleotide position 847. The alanine at codon 283 is replaced by threonine, an amino acid with similar properties. This amino acid position is conserved. In addition, this alteration is predicted to be tolerated by in silico analysis. Since supporting evidence is limited at this time, the clinical significance of this alteration remains unclear.

Women's Health and Genetics/Laboratory Corporation of America, LabCorp
Classification: Uncertain significance. Last evaluated: 2022-05-19. Review status: criteria provided, single submitter. Criteria: LabCorp Variant Classification Summary - May 2015. Collection method: clinical testing. Allele origin: germline.
Comment: Variant summary: BARD1 c.847G>A (p.Ala283Thr) results in a non-conservative amino acid change in the encoded protein sequence. Three of five in-silico tools predict a benign effect of the variant on protein function. The variant was absent in 248168 control chromosomes (gnomAD). The available data on variant occurrences in the general population are insufficient to allow any conclusion about variant significance. To our knowledge, no occurrence of c.847G>A in individuals affected with Hereditary Breast and Ovarian Cancer Syndrome and no experimental evidence demonstrating its impact on protein function have been reported. No clinical diagnostic laboratories have submitted clinical-significance assessments for this variant to ClinVar after 2014. Based on the evidence outlined above, the variant was classified as uncertain significance.

NM_000465.4(BARD1):c.847G>A (p.Ala283Thr)

Gene: BARD1 (BRCA1 associated RING domain 1; minus strand). Cytogenetic location: 2q35.
Variant type: single nucleotide variant.
Coding change: c.847G>A on transcript NM_000465.4 (MANE Select); coding-DNA position 847, G replaced by A.
Protein change: p.Ala283Thr; replaces alanine 283 with threonine.
Molecular consequence: missense variant. On other transcripts: non-coding transcript variant (2), intron variant (3).
Genome position (GRCh38, 1-based): chr2:214,781,027, C>T on the plus strand (G>A on the coding strand, the complement: BARD1 is on the minus strand). VCF-style: chr2-214781027-C-T. GRCh37 (hg19) VCF-style: chr2-215645751-C-T.
Other names: c.790G>A, p.Ala264Thr (NM_001282543.2); c.158+28385G>A (NM_001282548.2); c.215+16034G>A (NM_001282545.2); c.364+11270G>A (NM_001282549.2); c.847G>A (NM_000465.2); short protein forms A264T, A283T.
Identifiers: ClinVar variation 1044248 (VCV001044248.12), dbSNP rs923851371, ClinGen allele CA350455270.
Genomic context (GRCh38, chr2:214,781,027, plus strand): 5'-CCTTCTCAGGAGTCACTACTTCATTCCTGCTCTTAGTGTCTGGAGACTCTATTTGCTCAG[C>T]CAATGGTAAAGAGACTTCAGTTAAACTTCCAAAACATTCAGATTCTGTCAAGGAGCCACT-3'
Protein context (NP_000456.2, residues 273-293): GSLTEVSLPL[Ala283Thr]EQIESPDTKS